The following is an entry in ClinVar:

ClinVar aggregate classification (germline): Pathogenic/Likely pathogenic. Review status: criteria provided, multiple submitters, no conflicts (2 of 4 stars). 3 submissions from 3 submitters: Pathogenic (1); Likely pathogenic (1). 1 of the submissions does not count toward it. Last evaluated 2024-10-09.

Conditions:
Congenital bile acid synthesis defect. Identifiers: Orphanet 485631, MedGen C5680095, MONDO:0018841.
Congenital bile acid synthesis defect 2 (CBAS2). Also called: CHOLESTASIS WITH DELTA(4)-3-OXOSTEROID 5-BETA-REDUCTASE DEFICIENCY. Identifiers: Orphanet 79303, MedGen C1856127, MONDO:0009339, OMIM 235555.

Allele frequency attached by ClinVar (database versions not stated): gnomAD 0.00003 and 0.00004; gnomAD exomes 0.00004 and 0.00001; TOPMed 0.00003; ExAC 0.00002.

Submissions (3):

Women's Health and Genetics/Laboratory Corporation of America, LabCorp
Classification: Pathogenic for Congenital bile acid synthesis defect 2. Last evaluated: 2024-10-09. Review status: criteria provided, single submitter. Criteria: LabCorp Variant Classification Summary - May 2015. Collection method: clinical testing. Allele origin: germline.
Comment: Variant summary: AKR1D1 c.781C>T (p.Arg261Cys) results in a non-conservative amino acid change in the encoded protein sequence. Four of five in-silico tools predict a damaging effect of the variant on protein function. The variant allele was found at a frequency of 1.2e-05 in 251400 control chromosomes (gnomAD). c.781C>T has been reported in the literature in individuals affected with Congenital bile acid synthesis defect 2 (e.g. Gonzales_2004, Seki_2013). These data indicate that the variant is likely to be associated with disease. At least one publication reports experimental evidence evaluating an impact on protein function, finding that the variant results in sharpy reduced enzymatic activity (Drury_2010). The following publications have been ascertained in the context of this evaluation (PMID: 15030995, 20522910, 23160874). ClinVar contains an entry for this variant (Variation ID: 5378). Based on the evidence outlined above, the variant was classified as pathogenic.

Dubai Health Genomic Medicine Center, Dubai Health
Classification: Likely pathogenic for Congenital bile acid synthesis defect. Last evaluated: 2024-10-04. Review status: criteria provided, single submitter. Criteria: ACMG Guidelines, 2015. Collection method: research. Allele origin: germline. Affected: yes.
Comment: PS3,PM2,PP3

OMIM
Classification: Pathogenic for BILE ACID SYNTHESIS DEFECT, CONGENITAL, 2. Last evaluated: 2004-04-01. Review status: no assertion criteria provided. Collection method: literature only. Allele origin: germline. Not counted in ClinVar's aggregate classification.

Literature cited by the submitters: PubMed 20522910 (cited by Women's Health and Genetics/Laboratory Corporation of America, LabCorp); PubMed 15030995 (cited by Women's Health and Genetics/Laboratory Corporation of America, LabCorp and OMIM); PubMed 23160874 (cited by Women's Health and Genetics/Laboratory Corporation of America, LabCorp).

NM_005989.4(AKR1D1):c.781C>T (p.Arg261Cys)

Gene: AKR1D1 (aldo-keto reductase family 1 member D1; plus strand). Cytogenetic location: 7q33.
Variant type: single nucleotide variant.
Coding change: c.781C>T on transcript NM_005989.4 (MANE Select); coding-DNA position 781, C replaced by T.
Protein change: p.Arg261Cys; replaces arginine 261 with cysteine.
Molecular consequence: missense variant.
Genome position (GRCh38, 1-based): chr7:138,107,506, C>T. VCF-style: chr7-138107506-C-T. GRCh37 (hg19) VCF-style: chr7-137792252-C-T.
Other names: c.658C>T, p.Arg220Cys (NM_001190906.2); c.781C>T, p.Arg261Cys (NM_001190907.2); short protein forms R261C, R220C.
Identifiers: ClinVar variation 5378 (VCV000005378.4), dbSNP rs267606650, ClinGen allele CA117469.
Genomic context (GRCh38, chr7:138,107,506, plus strand): 5'-GATGCACTTCTAAACTCATTGGGGAAAAGGTACAATAAGACAGCAGCTCAAATTGTTTTG[C>T]GTTTCAACATCCAGCGAGGGGTGGTTGTCATTCCTAAAAGCTTTAATCTTGAAAGGATCA-3'
Protein context (NP_005980.1, residues 251-271): YNKTAAQIVL[Arg261Cys]FNIQRGVVVI